The following is an entry in ClinVar:

NM_003361.4(UMOD):c.1372G>A (p.Val458Met)

Gene: UMOD (uromodulin; minus strand). Cytogenetic location: 16p12.3.
Variant type: single nucleotide variant.
Coding change: c.1372G>A on transcript NM_003361.4 (MANE Select); coding-DNA position 1372, G replaced by A.
Protein change: p.Val458Met; replaces valine 458 with methionine.
Molecular consequence: missense variant. On other transcripts: non-coding transcript variant (1).
Genome position (GRCh38, 1-based): chr16:20,341,296, C>T on the plus strand (G>A on the coding strand, the complement: UMOD is on the minus strand). VCF-style: chr16-20341296-C-T. GRCh37 (hg19) VCF-style: chr16-20352618-C-T.
Other names: c.1372G>A, p.Val458Met (NM_001008389.3, NM_001378232.1, NM_001378233.1); c.1471G>A, p.Val491Met (NM_001278614.2); c.1513G>A, p.Val505Met (NM_001378234.1, NM_001378235.1); short protein forms V491M, V505M, V458M.
Identifiers: ClinVar variation 2003876 (VCV002003876.5), dbSNP rs55772253, ClinGen allele CA7939164.

ClinVar aggregate classification (germline): Uncertain significance. Review status: criteria provided, multiple submitters, no conflicts (2 of 4 stars). 2 submissions from 2 submitters: Uncertain significance (2). Last evaluated 2025-06-12.

Conditions:
Familial juvenile hyperuricemic nephropathy type 1 (ADTKD1). Also called: Autosomal Dominant Tubulointerstitial Kidney Disease – UMOD; UMOD-Associated Kidney Disease; Uromodulin-associated kidney disease; Glomerulocystic kidney disease with hyperuricemia and isosthenuria; Medullary cystic kidney disease 2. Identifiers: Orphanet 209886, Orphanet 34149, Orphanet 88950, MedGen C4551496, MONDO:0008073, OMIM 162000.

Allele frequency attached by ClinVar (database versions not stated): 1000 Genomes Project 30x 0.00031.
gnomAD v4.1: 13 of 1,613,934 alleles (0.00081%); highest among the groups gnomAD compares: African/African-American, 0.0067%; no homozygotes.

Submissions (2):

Labcorp Genetics (formerly Invitae), Labcorp
Classification: Uncertain significance. Last evaluated: 2025-06-12. Review status: criteria provided, single submitter. Criteria: Invitae Variant Classification Sherloc (09022015). Collection method: clinical testing. Allele origin: germline.
Comment: This sequence change replaces valine, which is neutral and non-polar, with methionine, which is neutral and non-polar, at codon 458 of the UMOD protein (p.Val458Met). This variant is present in population databases (rs55772253, gnomAD 0.02%). This variant has not been reported in the literature in individuals affected with UMOD-related conditions. ClinVar contains an entry for this variant (Variation ID: 2003876). Invitae Evidence Modeling of protein sequence and biophysical properties (such as structural, functional, and spatial information, amino acid conservation, physicochemical variation, residue mobility, and thermodynamic stability) indicates that this missense variant is not expected to disrupt UMOD protein function with a negative predictive value of 80%. In summary, the available evidence is currently insufficient to determine the role of this variant in disease. Therefore, it has been classified as a Variant of Uncertain Significance.

Neuberg Centre For Genomic Medicine, NCGM
Classification: Uncertain significance for Familial juvenile hyperuricemic nephropathy type 1. Last evaluated: 2023-02-14. Review status: criteria provided, single submitter. Criteria: ACMG Guidelines, 2015. Collection method: clinical testing. Allele origin: germline. Inheritance: Autosomal dominant inheritance. Affected: yes.
Comment: The missense c.1372G>A (p.Val458Met) variant in UMOD gene has not been reported previously as a pathogenic variant nor as a benign variant, to our knowledge. The p.Val458Met variant has allele frequency 0.002% in gnomAD Exomes and is novel (not in any individuals) in 1000 Genomes. This variant has not been reported to the ClinVar database. The amino acid change p.Val458Met in UMOD is predicted as conserved by GERP++ and PhyloP across 100 vertebrates. The amino acid Val at position 458 is changed to a Met changing protein sequence and it might alter its composition and physico-chemical properties. For these reasons, this variant has been classified as Variant of Uncertain Significance (VUS).